The following is an entry in ClinVar:

ClinVar aggregate classification (germline): Uncertain significance (1 of 4 stars; one submission).

Conditions:
Ehlers-Danlos syndrome, kyphoscoliotic type, 2. Also called: FKBP14-Kyphoscoliotic Ehlers-Danlos Syndrome; Ehlers-Danlos syndrome with progressive kyphoscoliosis, myopathy, and hearing loss; Ehlers-Danlos syndrome, kyphoscoliotic and deafness type. Identifiers: Orphanet 300179, MedGen C3281160, MONDO:0013800, OMIM 614557.

Allele frequency attached by ClinVar (database versions not stated): gnomAD exomes below 0.00001; gnomAD 0.00001.
gnomAD v4.1: 2 of 1,609,034 alleles (0.00012%); highest among the groups gnomAD compares: South Asian, 0.0022%; no homozygotes.

Submission:

Labcorp Genetics (formerly Invitae), Labcorp
Classification: Uncertain significance for Ehlers-Danlos syndrome, kyphoscoliotic type, 2. Last evaluated: 2021-10-03. Review status: criteria provided, single submitter. Criteria: Invitae Variant Classification Sherloc (09022015). Collection method: clinical testing. Allele origin: germline.
Comment: In summary, the available evidence is currently insufficient to determine the role of this variant in disease. Therefore, it has been classified as a Variant of Uncertain Significance. Algorithms developed to predict the effect of missense changes on protein structure and function are either unavailable or do not agree on the potential impact of this missense change (SIFT: "Tolerated"; PolyPhen-2: "Probably Damaging"; Align-GVGD: "Class C0"). This variant has not been reported in the literature in individuals affected with FKBP14-related conditions. This variant is not present in population databases (ExAC no frequency). This sequence change replaces lysine with asparagine at codon 157 of the FKBP14 protein (p.Lys157Asn). The lysine residue is highly conserved and there is a moderate physicochemical difference between lysine and asparagine.

NM_017946.4(FKBP14):c.471A>C (p.Lys157Asn)

Genes: FKBP14 (FKBP prolyl isomerase 14; minus strand), FKBP14-AS1 (FKBP14 antisense RNA 1; plus strand). Cytogenetic location: 7p14.3.
Variant type: single nucleotide variant.
Coding change: c.471A>C on transcript NM_017946.4 (MANE Select); coding-DNA position 471, A replaced by C.
Protein change: p.Lys157Asn; replaces lysine 157 with asparagine.
Molecular consequence: missense variant. On other transcripts: non-coding transcript variant (2).
Genome position (GRCh38, 1-based): chr7:30,019,002, T>G on the plus strand (A>C on the coding strand, the complement: FKBP14 is on the minus strand). VCF-style: chr7-30019002-T-G. GRCh37 (hg19) VCF-style: chr7-30058618-T-G.
Other names: short protein forms K157N.
Identifiers: ClinVar variation 1418873 (VCV001418873.6), dbSNP rs1789962057, ClinGen allele CA367116696.